The following is an entry in ClinVar:

ClinVar aggregate classification (germline): Benign. Review status: criteria provided, multiple submitters, no conflicts (2 of 4 stars). 3 submissions from 3 submitters: Benign (2). 1 of the submissions does not count toward it. Last evaluated 2021-05-09.

Conditions:
ZNF142-related disorder. Also called: ZNF142-related condition.

Allele frequency attached by ClinVar (database versions not stated): ESP Exome Variant Server 0.02505; 1000 Genomes Project 0.02556; 1000 Genomes Project 30x 0.02561; gnomAD 0.02398 and 0.02596; TOPMed 0.02708.

Submissions (3):

GeneDx
Classification: Benign. Last evaluated: 2021-05-09. Review status: criteria provided, single submitter. Criteria: GeneDx Variant Classification Process June 2021. Collection method: clinical testing. Allele origin: germline. Affected: yes.

Breakthrough Genomics
Classification: Benign. Review status: criteria provided, single submitter. Criteria: ACMG Guidelines, 2015. Collection method: not provided. Allele origin: germline. Inheritance: Autosomal recessive inheritance. Affected: yes.

PreventionGenetics, part of Exact Sciences
Classification: Benign for ZNF142-related condition. Last evaluated: 2024-03-11. Review status: no assertion criteria provided. Collection method: clinical testing. Allele origin: germline. Not counted in ClinVar's aggregate classification.
Comment: This variant is classified as benign based on ACMG/AMP sequence variant interpretation guidelines (Richards et al. 2015 PMID: 25741868, with internal and published modifications).

NM_001379659.1(ZNF142):c.3552C>T (p.Val1184=)

Gene: ZNF142 (zinc finger protein 142; minus strand). Cytogenetic location: 2q35.
Variant type: single nucleotide variant.
Coding change: c.3552C>T on transcript NM_001379659.1 (MANE Select); coding-DNA position 3552, C replaced by T.
Protein change: p.Val1184=; no amino-acid change (valine 1184 retained).
Molecular consequence: synonymous variant.
Genome position (GRCh38, 1-based): chr2:218,643,564, G>A on the plus strand (C>T on the coding strand, the complement: ZNF142 is on the minus strand). VCF-style: chr2-218643564-G-A. GRCh37 (hg19) VCF-style: chr2-219508287-G-A.
Other names: c.2952C>T, p.Val984= (NM_001105537.5, NM_001366291.3, NM_001379662.1); c.2463C>T, p.Val821= (NM_001366287.3, NM_001366288.3, NM_001366289.3); c.3552C>T, p.Val1184= (NM_001366290.3, NM_001379660.1, NM_001379661.1).
Identifiers: ClinVar variation 1272225 (VCV001272225.4), dbSNP rs61733645, ClinGen allele CA2108979.